The following is an entry in ClinVar:

ClinVar aggregate classification (germline): Uncertain significance. Review status: criteria provided, multiple submitters, no conflicts (2 of 4 stars). 2 submissions from 2 submitters: Uncertain significance (2). Last evaluated 2025-06-12.

Conditions:
Inborn genetic diseases. Identifiers: MedGen C0950123, MeSH D030342.

Allele frequency attached by ClinVar (database versions not stated): ESP Exome Variant Server 0.00008; gnomAD 0.00001; ExAC 0.00002; TOPMed 0.00002.
gnomAD v4.1: 5 of 1,606,944 alleles (0.00031%); highest among the groups gnomAD compares: African/African-American, 0.004%; no homozygotes.

Submissions (2):

Labcorp Genetics (formerly Invitae), Labcorp
Classification: Uncertain significance. Last evaluated: 2025-06-12. Review status: criteria provided, single submitter. Criteria: Invitae Variant Classification Sherloc (09022015). Collection method: clinical testing. Allele origin: germline.
Comment: This sequence change replaces leucine, which is neutral and non-polar, with glutamine, which is neutral and polar, at codon 41 of the SLC9A3R1 protein (p.Leu41Gln). This variant is present in population databases (rs368955507, gnomAD 0.01%). This variant has not been reported in the literature in individuals affected with SLC9A3R1-related conditions. ClinVar contains an entry for this variant (Variation ID: 2967868). An algorithm developed to predict the effect of missense changes on protein structure and function (PolyPhen-2) suggests that this variant is likely to be disruptive. In summary, the available evidence is currently insufficient to determine the role of this variant in disease. Therefore, it has been classified as a Variant of Uncertain Significance.

Ambry Genetics
Classification: Uncertain significance for Inborn genetic diseases. Last evaluated: 2025-01-21. Review status: criteria provided, single submitter. Criteria: Ambry Variant Classification Scheme 2023. Collection method: clinical testing. Allele origin: germline.

NM_004252.5(NHERF1):c.122T>A (p.Leu41Gln)

Genes: NHERF1 (NHERF family PDZ scaffold protein 1; plus strand), SLC9A3R1-AS1 (SLC9A3R1 antisense RNA 1; minus strand). Cytogenetic location: 17q25.1.
Variant type: single nucleotide variant.
Coding change: c.122T>A on transcript NM_004252.5 (MANE Select); coding-DNA position 122, T replaced by A.
Protein change: p.Leu41Gln; replaces leucine 41 with glutamine.
Molecular consequence: missense variant.
Genome position (GRCh38, 1-based): chr17:74,748,968, T>A. VCF-style: chr17-74748968-T-A. GRCh37 (hg19) VCF-style: chr17-72745107-T-A.
Other names: c.122T>A (NM_004252.3); short protein forms L41Q.
Identifiers: ClinVar variation 2967868 (VCV002967868.4), dbSNP rs368955507, ClinGen allele CA8750539.